The following is an entry in ClinVar:

NM_000445.5(PLEC):c.143G>A (p.Ser48Asn)

Gene: PLEC (plectin; minus strand). Cytogenetic location: 8q24.3.
Variant type: single nucleotide variant.
Coding change: c.143G>A on transcript NM_000445.5; coding-DNA position 143, G replaced by A.
Protein change: p.Ser48Asn; replaces serine 48 with asparagine.
Molecular consequence: missense variant.
Genome position (GRCh38, 1-based): chr8:143,975,227, C>T on the plus strand (G>A on the coding strand, the complement: PLEC is on the minus strand). VCF-style: chr8-143975227-C-T. GRCh37 (hg19) VCF-style: chr8-145049395-C-T.
Other names: c.143G>A, p.Ser48Asn (NM_001410941.1); short protein forms S48N.
Identifiers: ClinVar variation 538968 (VCV000538968.8), dbSNP rs782186838, ClinGen allele CA4929147.
Genomic context (GRCh38, chr8:143,975,227, plus strand): 5'-GCGCAGTTACCTGCGATGCGAATGACCGCCCGCTCAGCTGGGTCCAGGACACTCCCGTTG[C>T]TCCCAGCGCCACCCCCGCTGCGCCGGCTCCGCTGCGTTTTCCCAAGGTTCCAGGGCAGTG-3'

ClinVar aggregate classification (germline): Uncertain significance (1 of 4 stars; one submission).

Conditions:
Epidermolysis bullosa simplex 5B, with muscular dystrophy (EBS5B). Also called: Epidermolysis bullosa simplex with muscular dystrophy; EPIDERMOLYSIS BULLOSA SIMPLEX AND LIMB-GIRDLE MUSCULAR DYSTROPHY. Identifiers: Orphanet 257, MedGen C2931072, MONDO:0009181, OMIM 226670.
Epidermolysis bullosa simplex 5C, with pyloric atresia (EBS5C). Also called: PLEC-Related Epidermolysis Bullosa with Pyloric Atresia; Epidermolysis bullosa simplex with pyloric atresia; PLEC1-Related Epidermolysis Bullosa with Pyloric Atresia. Identifiers: Orphanet 158684, MedGen C2677349, MONDO:0012807, OMIM 612138.
Autosomal recessive limb-girdle muscular dystrophy type 2Q (LGMDR17). Also called: MUSCULAR DYSTROPHY, LIMB-GIRDLE, AUTOSOMAL RECESSIVE 17. Identifiers: Orphanet 254361, MedGen C3150989, MONDO:0013390, OMIM 613723.
Epidermolysis bullosa simplex with nail dystrophy (EBS5D). Identifiers: MedGen C4225309, MONDO:0014661, OMIM 616487.
Epidermolysis bullosa simplex, Ogna type (EBS5A). Also called: Pidermolysis bullosa simplex 5A, Ogna type; EPIDERMOLYSIS BULLOSA SIMPLEX 5A, OGNA TYPE. Identifiers: Orphanet 79401, MedGen C0432317, MONDO:0007555, OMIM 131950.

Allele frequency attached by ClinVar (database versions not stated): TOPMed below 0.00001; gnomAD exomes 0.00001; gnomAD 0.00001; ExAC 0.00002.
gnomAD v4.1: 11 of 1,605,400 alleles (0.00069%); highest among the groups gnomAD compares: Non-Finnish European, 0.00093%; no homozygotes.

Submission:

Labcorp Genetics (formerly Invitae), Labcorp
Classification: Uncertain significance for Autosomal recessive limb-girdle muscular dystrophy type 2Q; Epidermolysis bullosa simplex, Ogna type; Epidermolysis bullosa simplex with nail dystrophy; Epidermolysis bullosa simplex 5C, with pyloric atresia; Epidermolysis bullosa simplex 5B, with muscular dystrophy. Last evaluated: 2017-10-25. Review status: criteria provided, single submitter. Criteria: Invitae Variant Classification Sherloc (09022015). Collection method: clinical testing. Allele origin: germline.
Comment: This sequence change replaces serine with asparagine at codon 48 of the PLEC protein (p.Ser48Asn). The serine residue is weakly conserved and there is a small physicochemical difference between serine and asparagine. This variant is present in population databases (rs782186838, ExAC 0.003%). In summary, the available evidence is currently insufficient to determine the role of this variant in disease. Therefore, it has been classified as a Variant of Uncertain Significance. Algorithms developed to predict the effect of missense changes on protein structure and function (SIFT, PolyPhen-2, Align-GVGD) all suggest that this variant is likely to be tolerated, but these predictions have not been confirmed by published functional studies and their clinical significance is uncertain. This variant has not been reported in the literature in individuals with PLEC-related disease.